The following is an entry in ClinVar:

NC_000015.10:g.85968459_85978252del

Variant type: Deletion.
Genome position: GRCh38: chr15:85,968,459-85,978,252. GRCh37 (hg19): chr15:86,511,690-86,521,483.
Identifiers: ClinVar variation 157352 (VCV000157352.3), ClinGen allele CA212413.

ClinVar aggregate classification (germline): not provided (0 of 4 stars; one submission).

Conditions:
Small for gestational age. Also called: Low birth weight. Identifiers: MedGen C0235991, HP:0001518.

Submission:

Institute of Molecular and Cell Biology, University of Tartu
No classification provided. Condition: Small for gestational age. Review status: no classification provided. Collection method: case-control. Allele origin: unknown. Affected: yes. Study: Kasak2014.
Comment: The study aimed to determine the contribution of copy number variants in the genetic etiology of normal and complicated pregnancies. The samples represented (i) maternal blood DNA drawn from healthy pregnant women during 1st or 2nd trimester and (ii) maternal and paternal blood DNA drawn at term pregnancy cases representing normal and complicated gestations (severe preeclampsia, PE; gestational diabetes, GD; small-for-gestational age newborn, SGA; large-for-gestational age newborn, LGA). We performed CNV calling based on genome-wide genotyping dataset (Illumina HumanOmniExpress-24-v1 BeadChip) by applying three algorithms, QuantiSNP, GADA (Genome Alteration Detection Algorithm) and CNstream in parallel. The acquired CNV calls were merged with HD-CNV (Hotspot Detector for Copy Number Variants) program and only the CNVs predicted by at least two programs, were considered in subsequent analysis.

Literature cited by the submitters: PubMed 25666259.